The following is an entry in ClinVar:

NM_018406.7(MUC4):c.11613C>T (p.Thr3871=)

Gene: MUC4 (mucin 4, cell surface associated). Cytogenetic location: 3q29.
Variant type: single nucleotide variant.
Coding change: c.11613C>T on transcript NM_018406.7 (MANE Select); coding-DNA position 11613, C replaced by T.
Protein change: p.Thr3871=; no amino-acid change (threonine 3871 retained).
Molecular consequence: synonymous variant. On other transcripts: genic upstream transcript variant (2).
Genome position (GRCh38, 1-based): chr3:195,779,967, G>A on the plus strand (C>T on the coding strand, the complement: MUC4 is on the minus strand). VCF-style: chr3-195779967-G-A. GRCh37 (hg19) VCF-style: chr3-195506838-G-A.
Other names: c.16719C>T, p.Thr5573= (NM_001322468.1); c.83-5662C>T (NM_138297.5); c.83-1512C>T (NM_004532.6).
Identifiers: ClinVar variation 2654402 (VCV002654402.24), dbSNP rs189187463, ClinGen allele CA2769349.

ClinVar aggregate classification (germline): Likely benign (1 of 4 stars; one submission).

Allele frequency attached by ClinVar (database versions not stated): gnomAD 0.00186; 1000 Genomes Project 0.00260.
gnomAD v4.1: 3,226 of 1,446,596 alleles (0.22%); highest among the groups gnomAD compares: South Asian, 0.39%; 45 homozygotes.

Submission:

CeGaT Center for Human Genetics Tuebingen
Classification: Likely benign. Last evaluated: 2026-01-01. Review status: criteria provided, single submitter. Criteria: CeGaT Center For Human Genetics Tuebingen Variant Classification Criteria Version 2. Collection method: clinical testing. Allele origin: germline. Affected: yes. Observed: 10 variant alleles.
Comment: MUC4: BP4, BS2